The following is an entry in ClinVar:

NM_004370.6(COL12A1):c.4859C>T (p.Ser1620Phe)

Gene: COL12A1 (collagen type XII alpha 1 chain; minus strand). Cytogenetic location: 6q13.
Variant type: single nucleotide variant.
Coding change: c.4859C>T on transcript NM_004370.6 (MANE Select); coding-DNA position 4859, C replaced by T.
Protein change: p.Ser1620Phe; replaces serine 1620 with phenylalanine.
Molecular consequence: missense variant.
Genome position (GRCh38, 1-based): chr6:75,142,130, G>A on the plus strand (C>T on the coding strand, the complement: COL12A1 is on the minus strand). VCF-style: chr6-75142130-G-A. GRCh37 (hg19) VCF-style: chr6-75851846-G-A.
Other names: c.4859C>T, p.Ser1620Phe (NM_001424113.1, NM_001424114.1); c.4586C>T, p.Ser1529Phe (NM_001424115.1); c.1367C>T, p.Ser456Phe (NM_001424116.1, NM_080645.3); c.4859C>T (NM_004370.5); short protein forms S1620F, S456F, S1529F.
Identifiers: ClinVar variation 2924975 (VCV002924975.4), dbSNP rs1315847355, ClinGen allele CA364740900.
Genomic context (GRCh38, chr6:75,142,130, plus strand): 5'-TCGTCATGTACTGCAGAAACGCTGACTGTGTACAAGGTCTGTGAGAAGAGGTCTTTGAGG[G>A]AAGTGCTGGTCTCTGATCTGTCCACCTCTACCTATAACAGTAACAGAGCAGTGGAACTAC-3'
Protein context (NP_004361.3, residues 1610-1630): VEVDRSETST[Ser1620Phe]LKDLFSQTLY

ClinVar aggregate classification (germline): Uncertain significance. Review status: criteria provided, multiple submitters, no conflicts (2 of 4 stars). 2 submissions from 2 submitters: Uncertain significance (2). Last evaluated 2025-10-13.

Conditions:
Inborn genetic diseases. Identifiers: MedGen C0950123, MeSH D030342.
Ullrich congenital muscular dystrophy 2 (UCMD2). Identifiers: Orphanet 75840, MedGen C4225314, MONDO:0014654, OMIM 616470.
Bethlem myopathy 2 (BTHLM2). Identifiers: Orphanet 536516, Orphanet 610, MedGen C4225313, MONDO:0034022, OMIM 616471.

Allele frequency attached by ClinVar (database versions not stated): TOPMed 0.00001; gnomAD 0.00001.
gnomAD v4.1: 4 of 1,614,002 alleles (0.00025%); highest among the groups gnomAD compares: Non-Finnish European, 0.00034%; no homozygotes.

Submissions (2):

Labcorp Genetics (formerly Invitae), Labcorp
Classification: Uncertain significance for Bethlem myopathy 2; Ullrich congenital muscular dystrophy 2. Last evaluated: 2025-10-13. Review status: criteria provided, single submitter. Criteria: Invitae Variant Classification Sherloc (09022015). Collection method: clinical testing. Allele origin: germline.
Comment: This sequence change replaces serine, which is neutral and polar, with phenylalanine, which is neutral and non-polar, at codon 1620 of the COL12A1 protein (p.Ser1620Phe). This variant is not present in population databases (gnomAD no frequency). This variant has not been reported in the literature in individuals affected with COL12A1-related conditions. ClinVar contains an entry for this variant (Variation ID: 2924975). Invitae Evidence Modeling of protein sequence and biophysical properties (such as structural, functional, and spatial information, amino acid conservation, physicochemical variation, residue mobility, and thermodynamic stability) indicates that this missense variant is not expected to disrupt COL12A1 protein function with a negative predictive value of 80%. In summary, the available evidence is currently insufficient to determine the role of this variant in disease. Therefore, it has been classified as a Variant of Uncertain Significance.

Ambry Genetics
Classification: Uncertain significance for Inborn genetic diseases. Last evaluated: 2025-08-13. Review status: criteria provided, single submitter. Criteria: Ambry Variant Classification Scheme 2023. Collection method: clinical testing. Allele origin: germline.